The following is an entry in ClinVar:

ClinVar aggregate classification (germline): Pathogenic. Review status: criteria provided, multiple submitters, no conflicts (2 of 4 stars). 5 submissions from 5 submitters: Pathogenic (3). 2 of the submissions do not count toward it. Last evaluated 2025-08-07.

Conditions:
Alstrom syndrome (ALMS). Identifiers: Orphanet 64, MedGen C0268425, MONDO:0008763, OMIM 203800.

Allele frequency attached by ClinVar (database versions not stated): gnomAD 0.00001; TOPMed below 0.00001; gnomAD exomes 0.00001.
gnomAD v4.1: 17 of 1,613,924 alleles (0.0011%); highest among the groups gnomAD compares: African/African-American, 0.0013%; no homozygotes.

Submissions (5):

3billion
Classification: Pathogenic for Alstrom syndrome. Last evaluated: 2025-08-07. Review status: criteria provided, single submitter. Criteria: ACMG Guidelines, 2015. Collection method: clinical testing. Allele origin: germline. Affected: yes.
Comment: The variant is observed at an extremely low frequency in the gnomAD v4.1.0 dataset (total allele frequency: 0.001%). Predicted Consequence/Location: Stop-gained (nonsense): predicted to result in a loss or disruption of normal protein function through nonsense-mediated decay (NMD) or protein truncation. Multiple pathogenic variants are reported downstream of the variant. The variant has been reported at least twice as pathogenic with clinical assertions and evidence for the classification (ClinVar ID: VCV000459845 /PMID: 25846608). Therefore, this variant is classified as Pathogenic according to the recommendation of ACMG/AMP guideline.

Labcorp Genetics (formerly Invitae), Labcorp
Classification: Pathogenic for Alstrom syndrome. Last evaluated: 2025-05-12. Review status: criteria provided, single submitter. Criteria: Invitae Variant Classification Sherloc (09022015). Collection method: clinical testing. Allele origin: germline.
Comment: This sequence change creates a premature translational stop signal (p.Arg352*) in the ALMS1 gene. It is expected to result in an absent or disrupted protein product. Loss-of-function variants in ALMS1 are known to be pathogenic (PMID: 17594715). This variant is not present in population databases (gnomAD no frequency). This premature translational stop signal has been observed in individual(s) with Alström syndrome and cone-rod dystrophy (PMID: 17594715, 25846608, 26992781). ClinVar contains an entry for this variant (Variation ID: 459845). For these reasons, this variant has been classified as Pathogenic.

Mendelics
Classification: Pathogenic for Alstrom syndrome. Last evaluated: 2019-05-28. Review status: criteria provided, single submitter. Criteria: Mendelics Assertion Criteria 2017. Collection method: clinical testing. Allele origin: unknown.

Natera, Inc.
Classification: Pathogenic for Alstrom syndrome. Last evaluated: 2020-09-04. Review status: no assertion criteria provided. Collection method: clinical testing. Allele origin: germline. Not counted in ClinVar's aggregate classification.

Counsyl
Classification: Likely pathogenic for Alstrom syndrome. Last evaluated: 2017-12-01. Review status: no assertion criteria provided. Collection method: clinical testing. Allele origin: unknown. Not counted in ClinVar's aggregate classification.

Literature cited by the submitters: PubMed 25846608 (cited by 3billion and Labcorp Genetics (formerly Invitae), Labcorp); PubMed 17594715 (cited by Labcorp Genetics (formerly Invitae), Labcorp); PubMed 26992781 (cited by Labcorp Genetics (formerly Invitae), Labcorp).

NM_001378454.1(ALMS1):c.1051C>T (p.Arg351Ter)

Gene: ALMS1 (ALMS1 centrosome and basal body associated protein; plus strand). Cytogenetic location: 2p13.1.
Variant type: single nucleotide variant.
Coding change: c.1051C>T on transcript NM_001378454.1 (MANE Select); coding-DNA position 1051, C replaced by T.
Protein change: p.Arg351Ter; replaces arginine 351 with a stop codon.
Molecular consequence: nonsense.
Genome position (GRCh38, 1-based): chr2:73,424,716, C>T. VCF-style: chr2-73424716-C-T. GRCh37 (hg19) VCF-style: chr2-73651844-C-T.
Other names: c.1054C>T, p.Arg352Ter (NM_015120.4); short protein forms R352*, R351*.
Identifiers: ClinVar variation 459845 (VCV000459845.16), dbSNP rs1275113273, ClinGen allele CA347261385.